The following is an entry in ClinVar:

ClinVar aggregate classification (germline): Conflicting classifications of pathogenicity. Review status: criteria provided, conflicting classifications (1 of 4 stars). 6 submissions from 6 submitters: Uncertain significance (1); Benign (1); Likely benign (2). 2 of the submissions do not count toward it. Last evaluated 2026-06-15.

Conditions:
Polyps, multiple and recurrent inflammatory fibroid, gastrointestinal. Identifiers: MedGen C5193005, MONDO:0008285, OMIM 175510.
PDGFRA-related disorder. Also called: PDGFRA-related condition.
Gastrointestinal stromal tumor. Also called: Gastrointestinal stromal tumor, somatic; Gastrointestinal stroma tumor. Identifiers: Orphanet 44890, MedGen C0238198, MeSH D046152, MONDO:0011719, OMIM 606764, HP:0100723.
Hereditary cancer-predisposing syndrome. Also called: Hereditary Cancer Syndrome; Tumor predisposition; Neoplastic Syndromes, Hereditary; Hereditary neoplastic syndrome. Identifiers: Orphanet 140162, MedGen C0027672, MeSH D009386, MONDO:0015356.

Allele frequency attached by ClinVar (database versions not stated): 1000 Genomes Project 30x 0.00016; ExAC 0.00026; gnomAD 0.00015 and 0.00017; TOPMed 0.00002; gnomAD exomes 0.00010 and 0.00022; 1000 Genomes Project 0.00020; ESP Exome Variant Server 0.00015.
gnomAD v4.1: 170 of 1,613,702 alleles (0.011%); highest among the groups gnomAD compares: Non-Finnish European, 0.0036%; no homozygotes.

Submissions (6):

Myriad Genetics, Inc.
Classification: Likely benign for Polyps, multiple and recurrent inflammatory fibroid, gastrointestinal. Last evaluated: 2026-06-15. Review status: criteria provided, single submitter. Criteria: Myriad Autosomal Dominant, Autosomal Recessive and X-Linked Classification Criteria (2023). Collection method: clinical testing. Allele origin: unknown.
Comment: This variant is considered likely benign. This variant has been observed at a population frequency that is significantly greater than expected given the associated disease prevalence and penetrance.

Labcorp Genetics (formerly Invitae), Labcorp
Classification: Likely benign for Gastrointestinal stromal tumor. Last evaluated: 2025-12-06. Review status: criteria provided, single submitter. Criteria: Invitae Variant Classification Sherloc (09022015). Collection method: clinical testing. Allele origin: germline.

GeneDx
Classification: Uncertain significance. Last evaluated: 2025-03-05. Review status: criteria provided, single submitter. Criteria: GeneDx Variant Classification Process June 2021. Collection method: clinical testing. Allele origin: germline. Affected: yes.
Comment: In silico analysis indicates that this missense variant does not alter protein structure/function; Observed in an individual with atherosclerosis (PMID: 22703879); This variant is associated with the following publications: (PMID: 27034009, 31645765, 35982159, 33057194, 22703879)

Ambry Genetics
Classification: Benign for Hereditary cancer-predisposing syndrome. Last evaluated: 2024-08-20. Review status: criteria provided, single submitter. Criteria: Ambry Variant Classification Scheme 2023. Collection method: clinical testing. Allele origin: germline.

PreventionGenetics, part of Exact Sciences
Classification: Likely benign for PDGFRA-related condition. Last evaluated: 2022-02-08. Review status: no assertion criteria provided. Collection method: clinical testing. Allele origin: germline. Not counted in ClinVar's aggregate classification.
Comment: This variant is classified as likely benign based on ACMG/AMP sequence variant interpretation guidelines (Richards et al. 2015 PMID: 25741868, with internal and published modifications).

Biesecker Lab/Clinical Genomics Section, National Institutes of Health
Classification: Uncertain significance. Last evaluated: 2012-07-13. Review status: no assertion criteria provided. Collection method: research. Allele origin: germline. Affected: no. Observed: 1 variant allele. Study: ClinSeq. Not counted in ClinVar's aggregate classification.
ClinVar note: Converted during submission from variant of unknown significance to Uncertain significance.

NM_006206.6(PDGFRA):c.2291G>A (p.Arg764His)

Gene: PDGFRA (platelet derived growth factor receptor alpha; plus strand). Cytogenetic location: 4q12.
Variant type: single nucleotide variant.
Coding change: c.2291G>A on transcript NM_006206.6 (MANE Select); coding-DNA position 2291, G replaced by A.
Protein change: p.Arg764His; replaces arginine 764 with histidine.
Molecular consequence: missense variant.
Genome position (GRCh38, 1-based): chr4:54,280,450, G>A. VCF-style: chr4-54280450-G-A. GRCh37 (hg19) VCF-style: chr4-55146617-G-A.
Other names: c.2291G>A, p.Arg764His (NM_001347827.2, NM_001347829.2); c.2366G>A, p.Arg789His (NM_001347828.2); c.2330G>A, p.Arg777His (NM_001347830.2); c.2291G>A (NM_006206.5); short protein forms R764H, R777H, R789H.
Identifiers: ClinVar variation 41796 (VCV000041796.33), dbSNP rs141047712, ClinGen allele CA215862.